The following is an entry in ClinVar:

NM_000535.7(PMS2):c.1850C>A (p.Pro617His)

Gene: PMS2 (PMS1 homolog 2, mismatch repair system component; minus strand). Cytogenetic location: 7p22.1.
Variant type: single nucleotide variant.
Coding change: c.1850C>A on transcript NM_000535.7 (MANE Select); coding-DNA position 1850, C replaced by A.
Protein change: p.Pro617His; replaces proline 617 with histidine.
Molecular consequence: missense variant. On other transcripts: non-coding transcript variant (1).
Genome position (GRCh38, 1-based): chr7:5,986,915, G>T on the plus strand (C>A on the coding strand, the complement: PMS2 is on the minus strand). VCF-style: chr7-5986915-G-T. GRCh37 (hg19) VCF-style: chr7-6026546-G-T.
Other names: c.1445C>A, p.Pro482His (NM_001018040.1, NM_001322003.2, NM_001322004.2 and 17 more transcripts); c.1694C>A, p.Pro565His (NM_001322006.2, NM_001406870.1); c.1532C>A, p.Pro511His (NM_001322007.2, NM_001322008.2, NM_001406876.1 and 2 more transcripts); c.1289C>A, p.Pro430His (NM_001322010.2, NM_001406906.1, NM_001406907.1); c.917C>A, p.Pro306His (NM_001322011.2, NM_001322012.2); c.1277C>A, p.Pro426His (NM_001322013.2, NM_001406909.1); c.1850C>A, p.Pro617His (NM_001322014.2, NM_001406871.1, NM_001406872.1); c.1541C>A, p.Pro514His (NM_001322015.2, NM_001406875.1, NM_001406877.1 and 5 more transcripts); and 12 more; short protein forms P459H, P482H, P617H, P360H, P446H, P462H, P495H, P430H.
Identifiers: ClinVar variation 1781314 (VCV001781314.2), dbSNP rs747785888, ClinGen allele CA366739590.

ClinVar aggregate classification (germline): Uncertain significance (1 of 4 stars; one submission).

Conditions:
Hereditary cancer-predisposing syndrome. Also called: Neoplastic Syndromes, Hereditary; Tumor predisposition; Hereditary Cancer Syndrome; Hereditary neoplastic syndrome. Identifiers: Orphanet 140162, MedGen C0027672, MeSH D009386, MONDO:0015356.

Submission:

Ambry Genetics
Classification: Uncertain significance for Hereditary cancer-predisposing syndrome. Last evaluated: 2018-11-16. Review status: criteria provided, single submitter. Criteria: Ambry Variant Classification Scheme 2023. Collection method: clinical testing. Allele origin: germline.
Comment: The p.P617H variant (also known as c.1850C>A), located in coding exon 11 of the PMS2 gene, results from a C to A substitution at nucleotide position 1850. The proline at codon 617 is replaced by histidine, an amino acid with similar properties. This amino acid position is poorly conserved in available vertebrate species. In addition, this alteration is predicted to be tolerated by in silico analysis. Since supporting evidence is limited at this time, the clinical significance of this alteration remains unclear.